The following is an entry in ClinVar:

ClinVar aggregate classification (germline): Uncertain significance. Review status: criteria provided, multiple submitters, no conflicts (2 of 4 stars). 2 submissions from 2 submitters: Uncertain significance (2). Last evaluated 2024-06-17.

Conditions:
Inborn genetic diseases. Identifiers: MedGen C0950123, MeSH D030342.

Allele frequency attached by ClinVar (database versions not stated): gnomAD exomes below 0.00001.

Submissions (2):

Labcorp Genetics (formerly Invitae), Labcorp
Classification: Uncertain significance. Last evaluated: 2024-06-17. Review status: criteria provided, single submitter. Criteria: Invitae Variant Classification Sherloc (09022015). Collection method: clinical testing. Allele origin: germline.
Comment: This sequence change replaces lysine, which is basic and polar, with arginine, which is basic and polar, at codon 544 of the TRAPPC9 protein (p.Lys544Arg). This variant is not present in population databases (gnomAD no frequency). This variant has not been reported in the literature in individuals affected with TRAPPC9-related conditions. ClinVar contains an entry for this variant (Variation ID: 1776832). Algorithms developed to predict the effect of missense changes on protein structure and function output the following: SIFT: "Not Available"; PolyPhen-2: "Benign"; Align-GVGD: "Not Available". The arginine amino acid residue is found in multiple mammalian species, which suggests that this missense change does not adversely affect protein function. In summary, the available evidence is currently insufficient to determine the role of this variant in disease. Therefore, it has been classified as a Variant of Uncertain Significance.

Ambry Genetics
Classification: Uncertain significance for Inborn genetic diseases. Last evaluated: 2019-09-27. Review status: criteria provided, single submitter. Criteria: Ambry Variant Classification Scheme 2023. Collection method: clinical testing. Allele origin: germline.
Comment: The p.K544R variant (also known as c.1631A>G), located in coding exon 8 of the TRAPPC9 gene, results from an A to G substitution at nucleotide position 1631. The lysine at codon 544 is replaced by arginine, an amino acid with highly similar properties. This amino acid position is not well conserved in available vertebrate species, and arginine is the reference amino acid in other vertebrate species. In addition, this alteration is predicted to be tolerated by in silico analysis. Since supporting evidence is limited at this time, the clinical significance of this alteration remains unclear.

NM_001160372.4(TRAPPC9):c.1337A>G (p.Lys446Arg)

Gene: TRAPPC9 (trafficking protein particle complex subunit 9; minus strand). Cytogenetic location: 8q24.3.
Variant type: single nucleotide variant.
Coding change: c.1337A>G on transcript NM_001160372.4 (MANE Select); coding-DNA position 1337, A replaced by G.
Protein change: p.Lys446Arg; replaces lysine 446 with arginine.
Molecular consequence: missense variant. On other transcripts: non-coding transcript variant (1).
Genome position (GRCh38, 1-based): chr8:140,370,978, T>C on the plus strand (A>G on the coding strand, the complement: TRAPPC9 is on the minus strand). VCF-style: chr8-140370978-T-C. GRCh37 (hg19) VCF-style: chr8-141381077-T-C.
Other names: c.1310A>G, p.Lys437Arg (NM_001321646.2); c.1358A>G, p.Lys453Arg (NM_001374682.1); c.1337A>G, p.Lys446Arg (NM_001374683.1, NM_001374684.1, NM_031466.8); short protein forms K446R, K453R, K437R.
Identifiers: ClinVar variation 1776832 (VCV001776832.6), dbSNP rs2068264308, ClinGen allele CA372316784.
Genomic context (GRCh38, chr8:140,370,978, plus strand): 5'-TCAGACAGAAAGCAACACCTTAGCGCCAGCAAGGGGACTCCAGTACCTCTGCTGAAATCT[T>C]TGGGATCCAGCGACAGACTGTAGCCGGGCAGCGTTTCCAGGAGGAGTTTGTAGCAGGCCC-3'
Protein context (NP_001153844.1, residues 436-456): LPGYSLSLDP[Lys446Arg]DFSRGTHRGW